The following is an entry in ClinVar:

ClinVar aggregate classification (germline): Conflicting classifications of pathogenicity. Review status: criteria provided, conflicting classifications (1 of 4 stars). 2 submissions from 2 submitters: Uncertain significance (1); Likely benign (1). Last evaluated 2025-09-02.

Conditions:
Inborn genetic diseases. Identifiers: MedGen C0950123, MeSH D030342.
Fanconi anemia (FA). Also called: Fanconi's anemia. Identifiers: Orphanet 84, MedGen C0015625, MeSH D005199, MONDO:0019391.

Allele frequency attached by ClinVar (database versions not stated): TOPMed below 0.00001; gnomAD 0.00001.
gnomAD v4.1: 1 of 1,613,966 alleles (0.000062%); highest among the groups gnomAD compares: African/African-American, 0.0013%; no homozygotes.

Submissions (2):

Labcorp Genetics (formerly Invitae), Labcorp
Classification: Uncertain significance for Fanconi anemia. Last evaluated: 2025-09-02. Review status: criteria provided, single submitter. Criteria: Invitae Variant Classification Sherloc (09022015). Collection method: clinical testing. Allele origin: germline.
Comment: This sequence change replaces valine, which is neutral and non-polar, with alanine, which is neutral and non-polar, at codon 687 of the FANCA protein (p.Val687Ala). This variant is present in population databases (no rsID available, gnomAD 0.01%). This variant has not been reported in the literature in individuals affected with FANCA-related conditions. ClinVar contains an entry for this variant (Variation ID: 2890645). Invitae Evidence Modeling of protein sequence and biophysical properties (such as structural, functional, and spatial information, amino acid conservation, physicochemical variation, residue mobility, and thermodynamic stability) indicates that this missense variant is not expected to disrupt FANCA protein function with a negative predictive value of 95%. In summary, the available evidence is currently insufficient to determine the role of this variant in disease. Therefore, it has been classified as a Variant of Uncertain Significance.

Ambry Genetics
Classification: Likely benign for Inborn genetic diseases. Last evaluated: 2025-05-16. Review status: criteria provided, single submitter. Criteria: Ambry Variant Classification Scheme 2023. Collection method: clinical testing. Allele origin: germline.

NM_000135.4(FANCA):c.2060T>C (p.Val687Ala)

Gene: FANCA (FA complementation group A; minus strand). Cytogenetic location: 16q24.3.
Variant type: single nucleotide variant.
Coding change: c.2060T>C on transcript NM_000135.4 (MANE Select); coding-DNA position 2060, T replaced by C.
Protein change: p.Val687Ala; replaces valine 687 with alanine.
Molecular consequence: missense variant.
Genome position (GRCh38, 1-based): chr16:89,771,769, A>G on the plus strand (T>C on the coding strand, the complement: FANCA is on the minus strand). VCF-style: chr16-89771769-A-G. GRCh37 (hg19) VCF-style: chr16-89838177-A-G.
Other names: c.2060T>C, p.Val687Ala (NM_001286167.3); short protein forms V687A.
Identifiers: ClinVar variation 2890645 (VCV002890645.4), dbSNP rs1159267877, ClinGen allele CA397448544.